The following is an entry in ClinVar:

ClinVar aggregate classification (germline): Uncertain significance. Review status: criteria provided, multiple submitters, no conflicts (2 of 4 stars). 4 submissions from 3 submitters: Uncertain significance (4). Last evaluated 2024-08-31.

Conditions:
Dyskeratosis congenita, autosomal dominant 2. Identifiers: MedGen C3151443, MONDO:0013521, OMIM 613989.
Dyskeratosis congenita. Identifiers: Orphanet 1775, MedGen C0265965, MONDO:0015780.
Idiopathic Pulmonary Fibrosis. Also called: Idiopathic fibrosing alveolitis, chronic form; idiopathic fibrosing alveolitis. Identifiers: Orphanet 2032, MedGen C1800706, MeSH D054990, MONDO:0800504.
Pulmonary fibrosis and/or bone marrow failure, Telomere-related, 1. Also called: PULMONARY FIBROSIS AND/OR BONE MARROW FAILURE SYNDROME, TELOMERE-RELATED, 1. Identifiers: Orphanet 88, MedGen C3553617, MONDO:0013878, OMIM 614742.

Allele frequency attached by ClinVar (database versions not stated): gnomAD exomes below 0.00001.
gnomAD v4.1: 2 of 1,613,028 alleles (0.00012%); highest among the groups gnomAD compares: Non-Finnish European, 0.00017%; no homozygotes.

Submissions (4):

Labcorp Genetics (formerly Invitae), Labcorp
Classification: Uncertain significance for Dyskeratosis congenita, autosomal dominant 2; Idiopathic Pulmonary Fibrosis. Last evaluated: 2024-08-31. Review status: criteria provided, single submitter. Criteria: Invitae Variant Classification Sherloc (09022015). Collection method: clinical testing. Allele origin: germline.
Comment: This sequence change replaces arginine, which is basic and polar, with leucine, which is neutral and non-polar, at codon 521 of the TERT protein (p.Arg521Leu). The frequency data for this variant in the population databases is considered unreliable, as metrics indicate poor data quality at this position in the gnomAD database. This variant has not been reported in the literature in individuals affected with TERT-related conditions. ClinVar contains an entry for this variant (Variation ID: 410675). Invitae Evidence Modeling of protein sequence and biophysical properties (such as structural, functional, and spatial information, amino acid conservation, physicochemical variation, residue mobility, and thermodynamic stability) indicates that this missense variant is expected to disrupt TERT protein function with a positive predictive value of 95%. In summary, the available evidence is currently insufficient to determine the role of this variant in disease. Therefore, it has been classified as a Variant of Uncertain Significance.

Ambry Genetics
Classification: Uncertain significance for Dyskeratosis congenita. Last evaluated: 2023-12-14. Review status: criteria provided, single submitter. Criteria: Ambry Variant Classification Scheme 2023. Collection method: clinical testing. Allele origin: germline.
Comment: The p.R521L variant (also known as c.1562G>T), located in coding exon 2 of the TERT gene, results from a G to T substitution at nucleotide position 1562. The arginine at codon 521 is replaced by leucine, an amino acid with dissimilar properties. This amino acid position is conserved. In addition, the in silico prediction for this alteration is inconclusive. Since supporting evidence is limited at this time, the clinical significance of this alteration remains unclear.

Johns Hopkins Genomics, Johns Hopkins University
Classification: Uncertain significance for Pulmonary fibrosis and/or bone marrow failure, Telomere-related, 1. Last evaluated: 2022-12-27. Review status: criteria provided, single submitter. Criteria: ACMG Guidelines, 2015. Collection method: clinical testing. Allele origin: germline.
Comment: This TERT variant (rs1060503002) is rare (<0.1%) in a large population dataset (gnomAD: 1/249340 total alleles; 0.0004%; no homozygotes) and has been reported in ClinVar (Variation ID: 410675). It has not been reported in the literature in individuals with TERT-related conditions to our knowledge. Two bioinformatic tools queried predict that this substitution would be damaging and the arginine residue at this position is evolutionarily conserved across many of the species assessed. We consider the clinical significance of TERT c.1562G>T to be uncertain at this time

Johns Hopkins Genomics, Johns Hopkins University
Classification: Uncertain significance for Dyskeratosis congenita, autosomal dominant 2. Last evaluated: 2022-12-27. Review status: criteria provided, single submitter. Criteria: ACMG Guidelines, 2015. Collection method: clinical testing. Allele origin: germline.
Comment: the same text as in the submission from Johns Hopkins Genomics, Johns Hopkins University above.

NM_198253.3(TERT):c.1562G>T (p.Arg521Leu)

Gene: TERT (telomerase reverse transcriptase; minus strand). Cytogenetic location: 5p15.33.
Variant type: single nucleotide variant.
Coding change: c.1562G>T on transcript NM_198253.3 (MANE Select); coding-DNA position 1562, G replaced by T.
Protein change: p.Arg521Leu; replaces arginine 521 with leucine.
Molecular consequence: missense variant. On other transcripts: non-coding transcript variant (2).
Genome position (GRCh38, 1-based): chr5:1,293,324, C>A on the plus strand (G>T on the coding strand, the complement: TERT is on the minus strand). VCF-style: chr5-1293324-C-A. GRCh37 (hg19) VCF-style: chr5-1293439-C-A.
Other names: c.1562G>T, p.Arg521Leu (NM_001193376.3); short protein forms R521L.
Identifiers: ClinVar variation 410675 (VCV000410675.11), dbSNP rs1060503002, ClinGen allele CA16611724.